The following is an entry in ClinVar:

ClinVar aggregate classification (germline): Benign. Review status: criteria provided, single submitter (1 of 4 stars). 2 submissions from 2 submitters: Benign (1). 1 of the submissions does not count toward it. Last evaluated 2026-01-21.

Conditions:
Emery-Dreifuss muscular dystrophy (EDMD). Also called: Scapuloperoneal syndrome, X-linked (formerly); Humeroperoneal neuromuscular disease, (formerly). Identifiers: Orphanet 261, MedGen C0410189, MONDO:0016830.
SUN1-related disorder. Also called: SUN1-related condition.

Submissions (2):

Labcorp Genetics (formerly Invitae), Labcorp
Classification: Benign for Emery-Dreifuss muscular dystrophy. Last evaluated: 2026-01-21. Review status: criteria provided, single submitter. Criteria: Invitae Variant Classification Sherloc (09022015). Collection method: clinical testing. Allele origin: germline.

PreventionGenetics, part of Exact Sciences
Classification: Benign for SUN1-related condition. Last evaluated: 2019-02-19. Review status: no assertion criteria provided. Collection method: clinical testing. Allele origin: germline. Not counted in ClinVar's aggregate classification.
Comment: This variant is classified as benign based on ACMG/AMP sequence variant interpretation guidelines (Richards et al. 2015 PMID: 25741868, with internal and published modifications).

NM_001130965.3(SUN1):c.452-3dup

Gene: SUN1 (Sad1 and UNC84 domain containing 1; plus strand). Cytogenetic location: 7p22.3.
Variant type: Duplication.
Coding change: c.452-3dup on transcript NM_001130965.3 (MANE Select); 3 bases into the intron before coding-DNA position 452, one base duplicated (T; older notation c.452-3dupT).
Molecular consequence: intron variant.
Genome position (GRCh38, 1-based): chr7:843,203, T duplicated; the last of 11 consecutive T bases (chr7:843,193-843,203); duplicating any one gives the same sequence. VCF-style (leftmost placement, unchanged base first): chr7-843192-G-GT. GRCh37 (hg19) VCF-style: chr7-882829-G-GT.
Other names: c.452-3dup (NM_001171946.2, NM_001367634.1, NM_001367669.1 and 33 more transcripts); c.671-3dup (NM_001367651.1); c.-6-3dup (NM_001367635.1); c.451+1073dup (NM_001171944.2); c.263-3dup (NM_001367695.1); c.302-3dup (NM_001367666.1, NM_001367655.1, NM_001367691.1 and 23 more transcripts); c.-310-3dup (NM_001367658.1); c.-116-3dup (NM_001367639.1, NM_001367708.1); and 2 more.
Identifiers: ClinVar variation 1562353 (VCV001562353.11), dbSNP rs34925195, ClinGen allele CA4111535.